The following is an entry in ClinVar:

NM_001165963.4(SCN1A):c.5236G>C (p.Val1746Leu)

Genes: SCN1A (sodium voltage-gated channel alpha subunit 1; minus strand), LOC102724058 (uncharacterized LOC102724058; plus strand). Cytogenetic location: 2q24.3.
Variant type: single nucleotide variant.
Coding change: c.5236G>C on transcript NM_001165963.4 (MANE Select); coding-DNA position 5236, G replaced by C.
Protein change: p.Val1746Leu; replaces valine 1746 with leucine.
Molecular consequence: missense variant. On other transcripts: non-coding transcript variant (1).
Genome position (GRCh38, 1-based): chr2:165,992,039, C>G on the plus strand (G>C on the coding strand, the complement: SCN1A is on the minus strand). VCF-style: chr2-165992039-C-G. GRCh37 (hg19) VCF-style: chr2-166848549-C-G.
Other names: c.5152G>C, p.Val1718Leu (NM_001165964.3, NM_001353957.2, NM_001353958.2); c.5236G>C, p.Val1746Leu (NM_001202435.3, NM_001353948.2); c.5203G>C, p.Val1735Leu (NM_001353949.2, NM_001353950.2, NM_001353951.2 and 2 more transcripts); c.5200G>C, p.Val1734Leu (NM_001353954.2, NM_001353955.2); c.5149G>C, p.Val1717Leu (NM_001353960.2); c.2794G>C, p.Val932Leu (NM_001353961.2); c.5236G>C (NM_001165963.1); short protein forms V1735L, V932L, V1717L, V1734L, V1718L, V1746L.
Identifiers: ClinVar variation 1348315 (VCV001348315.9), dbSNP rs777579756, ClinGen allele CA1942684.

ClinVar aggregate classification (germline): Uncertain significance. Review status: criteria provided, multiple submitters, no conflicts (2 of 4 stars). 2 submissions from 2 submitters: Uncertain significance (2). Last evaluated 2025-10-28.

Conditions:
Early-infantile DEE. Also called: Ohtahara syndrome; Early infantile epileptic encephalopathy; Early infantile epileptic encephalopathy with suppression bursts. Identifiers: Orphanet 1934, MedGen C0393706, MONDO:0800491.

Allele frequency attached by ClinVar (database versions not stated): gnomAD exomes below 0.00001; ExAC 0.00001; gnomAD 0.00001; TOPMed 0.00001.
gnomAD v4.1: 4 of 1,613,782 alleles (0.00025%); highest among the groups gnomAD compares: African/African-American, 0.0053%; no homozygotes.

Submissions (2):

Labcorp Genetics (formerly Invitae), Labcorp
Classification: Uncertain significance for Early-infantile DEE. Last evaluated: 2025-10-28. Review status: criteria provided, single submitter. Criteria: Invitae Variant Classification Sherloc (09022015). Collection method: clinical testing. Allele origin: germline.
Comment: This sequence change replaces valine, which is neutral and non-polar, with leucine, which is neutral and non-polar, at codon 1746 of the SCN1A protein (p.Val1746Leu). This variant is not present in population databases (gnomAD no frequency). This variant has not been reported in the literature in individuals affected with SCN1A-related conditions. ClinVar contains an entry for this variant (Variation ID: 1348315). Invitae Evidence Modeling of protein sequence and biophysical properties (such as structural, functional, and spatial information, amino acid conservation, physicochemical variation, residue mobility, and thermodynamic stability) indicates that this missense variant is not expected to disrupt SCN1A protein function with a negative predictive value of 95%. In summary, the available evidence is currently insufficient to determine the role of this variant in disease. Therefore, it has been classified as a Variant of Uncertain Significance.

GeneDx
Classification: Uncertain significance. Last evaluated: 2025-10-03. Review status: criteria provided, single submitter. Criteria: GeneDx Variant Classification Process June 2021. Collection method: clinical testing. Allele origin: germline.
Comment: Not observed at significant frequency in large population cohorts (gnomAD); In silico analysis suggests that this missense variant does not alter protein structure/function; This substitution is predicted to be within the extracellular loop between the S5 and S6 transmembrane segments of the fourth homologous domain; Has not been previously published as pathogenic or benign to our knowledge